The following is an entry in ClinVar:

ClinVar aggregate classification (germline): Uncertain significance (1 of 4 stars; one submission).

Allele frequency attached by ClinVar (database versions not stated): gnomAD exomes below 0.00001; gnomAD 0.00003; TOPMed 0.00003; ESP Exome Variant Server 0.00008.
gnomAD v4.1: 10 of 1,614,128 alleles (0.00062%); highest among the groups gnomAD compares: African/African-American, 0.011%; no homozygotes.

Submission:

Labcorp Genetics (formerly Invitae), Labcorp
Classification: Uncertain significance. Last evaluated: 2022-05-28. Review status: criteria provided, single submitter. Criteria: Invitae Variant Classification Sherloc (09022015). Collection method: clinical testing. Allele origin: germline.
Comment: This sequence change replaces phenylalanine, which is neutral and non-polar, with isoleucine, which is neutral and non-polar, at codon 92 of the ZHX3 protein (p.Phe92Ile). This variant is present in population databases (rs143117682, gnomAD 0.02%). This variant has not been reported in the literature in individuals affected with ZHX3-related conditions. Algorithms developed to predict the effect of missense changes on protein structure and function are either unavailable or do not agree on the potential impact of this missense change (SIFT: "Deleterious"; PolyPhen-2: "Probably Damaging"; Align-GVGD: "Class C0"). In summary, the available evidence is currently insufficient to determine the role of this variant in disease. Therefore, it has been classified as a Variant of Uncertain Significance.

NM_001384317.1(ZHX3):c.274T>A (p.Phe92Ile)

Gene: ZHX3 (zinc fingers and homeoboxes 3; minus strand). Cytogenetic location: 20q12.
Variant type: single nucleotide variant.
Coding change: c.274T>A on transcript NM_001384317.1 (MANE Select); coding-DNA position 274, T replaced by A.
Protein change: p.Phe92Ile; replaces phenylalanine 92 with isoleucine.
Molecular consequence: missense variant.
Genome position (GRCh38, 1-based): chr20:41,204,643, A>T on the plus strand (T>A on the coding strand, the complement: ZHX3 is on the minus strand). VCF-style: chr20-41204643-A-T. GRCh37 (hg19) VCF-style: chr20-39833283-A-T.
Other names: c.274T>A, p.Phe92Ile (NM_001384315.1, NM_001384316.1, NM_001384318.1 and 8 more transcripts); short protein forms F92I.
Identifiers: ClinVar variation 1917261 (VCV001917261.5), dbSNP rs143117682, ClinGen allele CA314470495.